The following is an entry in ClinVar:

NM_003403.5(YY1):c.509G>A (p.Gly170Asp)

Genes: YY1 (YY1 transcription factor; plus strand), LOC130056453 (ATAC-STARR-seq lymphoblastoid silent region 6082; plus strand). Cytogenetic location: 14q32.2.
Variant type: single nucleotide variant.
Coding change: c.509G>A on transcript NM_003403.5 (MANE Select); coding-DNA position 509, G replaced by A.
Protein change: p.Gly170Asp; replaces glycine 170 with aspartic acid.
Molecular consequence: missense variant.
Genome position (GRCh38, 1-based): chr14:100,239,753, G>A. VCF-style: chr14-100239753-G-A. GRCh37 (hg19) VCF-style: chr14-100706090-G-A.
Other names: short protein forms G170D.
Identifiers: ClinVar variation 3639082 (VCV003639082.2).

ClinVar aggregate classification (germline): Uncertain significance (1 of 4 stars; one submission).

gnomAD v4.1: 11 of 1,582,890 alleles (0.00069%); highest among the groups gnomAD compares: Admixed American, 0.0017%; no homozygotes.

Submission:

Labcorp Genetics (formerly Invitae), Labcorp
Classification: Uncertain significance. Last evaluated: 2024-02-05. Review status: criteria provided, single submitter. Criteria: Invitae Variant Classification Sherloc (09022015). Collection method: clinical testing. Allele origin: germline.
Comment: This sequence change replaces glycine, which is neutral and non-polar, with aspartic acid, which is acidic and polar, at codon 170 of the YY1 protein (p.Gly170Asp). This variant is not present in population databases (gnomAD no frequency). This variant has not been reported in the literature in individuals affected with YY1-related conditions. An algorithm developed to predict the effect of missense changes on protein structure and function (PolyPhen-2) suggests that this variant is likely to be tolerated. In summary, the available evidence is currently insufficient to determine the role of this variant in disease. Therefore, it has been classified as a Variant of Uncertain Significance.